The following is an entry in ClinVar:

ClinVar aggregate classification (germline): Likely pathogenic (1 of 4 stars; one submission).

Submission:

GeneDx
Classification: Likely pathogenic. Last evaluated: 2024-05-13. Review status: criteria provided, single submitter. Criteria: GeneDx Variant Classification Process June 2021. Collection method: clinical testing. Allele origin: germline. Affected: yes.
Comment: Frameshift variant predicted to result in protein truncation or nonsense mediated decay in a gene for which loss of function is a known mechanism of disease; Not observed at significant frequency in large population cohorts (gnomAD); Has not been previously published as pathogenic or benign to our knowledge

NM_015001.3(SPEN):c.6342del (p.Val2116fs)

Gene: SPEN (spen family transcriptional repressor; plus strand). Cytogenetic location: 1p36.13.
Variant type: Deletion.
Coding change: c.6342del on transcript NM_015001.3 (MANE Select); coding-DNA position 6342, one base deleted (T; older notation c.6342delT).
Protein change: p.Val2116fs; shifts the reading frame from valine 2116.
Molecular consequence: frameshift variant.
Genome position (GRCh38, 1-based): chr1:15,932,582, T deleted. VCF-style (leftmost placement, unchanged base first): chr1-15932581-CT-C. GRCh37 (hg19) VCF-style: chr1-16259076-CT-C.
Other names: short protein forms V2116fs.
Identifiers: ClinVar variation 3378085 (VCV003378085.1).